The following is an entry in ClinVar:

NM_001127898.4(CLCN5):c.1756C>T (p.Arg586Trp)

Genes: CLCN5 (Cl-/H+ antiporter 5; plus strand), LOC126863258 (BRD4-independent group 4 enhancer GRCh37_chrX:49854497-49855696; plus strand). Cytogenetic location: Xp11.23.
Variant type: single nucleotide variant.
Coding change: c.1756C>T on transcript NM_001127898.4 (MANE Select); coding-DNA position 1756, C replaced by T.
Protein change: p.Arg586Trp; replaces arginine 586 with tryptophan.
Molecular consequence: missense variant.
Genome position (GRCh38, 1-based): chrX:50,090,127, C>T. VCF-style: chrX-50090127-C-T. GRCh37 (hg19) VCF-style: chrX-49854784-C-T.
Other names: c.1546C>T, p.Arg516Trp (NM_000084.5); c.1756C>T, p.Arg586Trp (NM_001127899.4); c.1606C>T, p.Arg536Trp (NM_001282163.2); short protein forms R516W, R586W, R536W.
Identifiers: ClinVar variation 207998 (VCV000207998.7), dbSNP rs797044812, ClinGen allele CA347322.

ClinVar aggregate classification (germline): Pathogenic/Likely pathogenic. Review status: criteria provided, multiple submitters, no conflicts (2 of 4 stars). 5 submissions from 5 submitters: Pathogenic (1); Likely pathogenic (3). 1 of the submissions does not count toward it. Last evaluated 2025-04-01.

Conditions:
X-linked recessive nephrolithiasis with renal failure (XRN). Also called: UROLITHIASIS, X-LINKED RECESSIVE, TYPE 1; NEPHROLITHIASIS 1; NEPHROLITHIASIS, X-LINKED RECESSIVE, TYPE 1. Identifiers: Orphanet 1652, Orphanet 93622, MedGen C0403720, MONDO:0010687, OMIM 310468.
Hypophosphatemic rickets, X-linked recessive (XLHRR). Identifiers: Orphanet 1652, Orphanet 93622, MedGen C1845168, MONDO:0010358, OMIM 300554.
Proteinuria, low molecular weight, with hypercalciuria and nephrocalcinosis. Identifiers: Orphanet 1652, Orphanet 93622, MedGen C1839874, MONDO:0010644, OMIM 308990.
Dent disease type 1 (DENT1). Also called: NEPHROLITHIASIS 2; NEPHROLITHIASIS, HYPERCALCIURIC, X-LINKED. Identifiers: Orphanet 1652, Orphanet 93622, MedGen C1848336, MONDO:0010225, OMIM 300009.

Submissions (5):

Labcorp Genetics (formerly Invitae), Labcorp
Classification: Pathogenic. Last evaluated: 2025-04-01. Review status: criteria provided, single submitter. Criteria: Invitae Variant Classification Sherloc (09022015). Collection method: clinical testing. Allele origin: germline.
Comment: This sequence change replaces arginine, which is basic and polar, with tryptophan, which is neutral and slightly polar, at codon 516 of the CLCN5 protein (p.Arg516Trp). This variant is not present in population databases (gnomAD no frequency). This missense change has been observed in individuals with Dent disease (PMID: 9328929, 19546591, 33532864). ClinVar contains an entry for this variant (Variation ID: 207998). Invitae Evidence Modeling of protein sequence and biophysical properties (such as structural, functional, and spatial information, amino acid conservation, physicochemical variation, residue mobility, and thermodynamic stability) indicates that this missense variant is expected to disrupt CLCN5 protein function with a positive predictive value of 80%. Experimental studies have shown that this missense change affects CLCN5 function (PMID: 19019917). For these reasons, this variant has been classified as Pathogenic.

Department of Human Genetics, Hannover Medical School
Classification: Likely pathogenic for Dent disease type 1. Last evaluated: 2024-01-16. Review status: criteria provided, single submitter. Criteria: ACMG Guidelines, 2015. Collection method: clinical testing. Allele origin: germline. Affected: yes.

Fulgent Genetics
Classification: Likely pathogenic for Dent disease type 1; Hypophosphatemic rickets, X-linked recessive; Proteinuria, low molecular weight, with hypercalciuria and nephrocalcinosis; X-linked recessive nephrolithiasis with renal failure. Last evaluated: 2024-01-14. Review status: criteria provided, single submitter. Criteria: ACMG Guidelines, 2015. Collection method: clinical testing. Allele origin: germline.

Molecular Biology Laboratory, Fundació Puigvert
Classification: Likely pathogenic for Dent disease type 1. Last evaluated: 2020-02-01. Review status: criteria provided, single submitter. Criteria: ACMG Guidelines, 2015. Collection method: research. Allele origin: maternal. Affected: yes. Study: KidneyPanel_2020.

GeneReviews
No classification provided. Condition: Dent disease type 1. Review status: no classification provided. Collection method: literature only. Allele origin: germline. Affected: yes. Not counted in ClinVar's aggregate classification.

Literature cited by the submitters: PubMed 9328929 (cited by Labcorp Genetics (formerly Invitae), Labcorp and GeneReviews); PubMed 19546591 (cited by Labcorp Genetics (formerly Invitae), Labcorp and GeneReviews); PubMed 33532864 (cited by Labcorp Genetics (formerly Invitae), Labcorp and Molecular Biology Laboratory, Fundació Puigvert); PubMed 19019917 (cited by Labcorp Genetics (formerly Invitae), Labcorp); PubMed 15086899 (cited by GeneReviews); PubMed 15895257 (cited by GeneReviews); PubMed 24081861 (cited by GeneReviews); NCBI Bookshelf NBK99494 (cited by GeneReviews).